The following is an entry in ClinVar:

ClinVar aggregate classification (germline): Uncertain significance (1 of 4 stars; one submission).

Conditions:
Spastic paraplegia. Identifiers: MedGen C0037772, HP:0001258.

Allele frequency attached by ClinVar (database versions not stated): gnomAD exomes 0.00004 and 0.00007; ExAC 0.00005; ESP Exome Variant Server 0.00008; gnomAD 0.00035 and 0.00039; 1000 Genomes Project 0.00060; 1000 Genomes Project 30x 0.00062; TOPMed 0.00082.

Submission:

Labcorp Genetics (formerly Invitae), Labcorp
Classification: Uncertain significance for Spastic paraplegia. Last evaluated: 2025-03-30. Review status: criteria provided, single submitter. Criteria: Invitae Variant Classification Sherloc (09022015). Collection method: clinical testing. Allele origin: germline.
Comment: This sequence change replaces proline, which is neutral and non-polar, with leucine, which is neutral and non-polar, at codon 501 of the ARSI protein (p.Pro501Leu). This variant is present in population databases (rs138543631, gnomAD 0.02%). This variant has not been reported in the literature in individuals affected with ARSI-related conditions. ClinVar contains an entry for this variant (Variation ID: 533754). An algorithm developed to predict the effect of missense changes on protein structure and function (PolyPhen-2) suggests that this variant is likely to be disruptive. In summary, the available evidence is currently insufficient to determine the role of this variant in disease. Therefore, it has been classified as a Variant of Uncertain Significance.

NM_001012301.4(ARSI):c.1502C>T (p.Pro501Leu)

Gene: ARSI (arylsulfatase family member I; minus strand). Cytogenetic location: 5q32.
Variant type: single nucleotide variant.
Coding change: c.1502C>T on transcript NM_001012301.4 (MANE Select); coding-DNA position 1502, C replaced by T.
Protein change: p.Pro501Leu; replaces proline 501 with leucine.
Molecular consequence: missense variant.
Genome position (GRCh38, 1-based): chr5:150,297,422, G>A on the plus strand (C>T on the coding strand, the complement: ARSI is on the minus strand). VCF-style: chr5-150297422-G-A. GRCh37 (hg19) VCF-style: chr5-149676985-G-A.
Other names: short protein forms P501L.
Identifiers: ClinVar variation 533754 (VCV000533754.9), dbSNP rs138543631, ClinGen allele CA3510069.
Genomic context (GRCh38, chr5:150,297,422, plus strand): 5'-CCCCAAGCACCCCCATTAAAGTCAGGATGAGCCCGGGGGTTCTCAGCTGGGTAGCGTACC[G>A]GGATGGCTGTGCGGTTATATTCGGCCAGGCGAGCCAGCAGGGTGCGGACCACATCAGGCC-3'
Protein context (NP_001012301.1, residues 491-511): RLAEYNRTAI[Pro501Leu]VRYPAENPRA